The following is an entry in ClinVar:

ClinVar aggregate classification (germline): Conflicting classifications of pathogenicity. Review status: criteria provided, conflicting classifications (1 of 4 stars). 3 submissions from 3 submitters: Uncertain significance (2); Likely benign (1). Last evaluated 2025-09-09.

Conditions:
Inborn genetic diseases. Identifiers: MedGen C0950123, MeSH D030342.

Allele frequency attached by ClinVar (database versions not stated): TOPMed 0.00004; gnomAD 0.00005; gnomAD exomes 0.00005 and 0.00006; ExAC 0.00011.

Submissions (3):

Labcorp Genetics (formerly Invitae), Labcorp
Classification: Uncertain significance. Last evaluated: 2025-09-09. Review status: criteria provided, single submitter. Criteria: Invitae Variant Classification Sherloc (09022015). Collection method: clinical testing. Allele origin: germline.
Comment: This sequence change replaces glutamic acid, which is acidic and polar, with lysine, which is basic and polar, at codon 25 of the PQBP1 protein (p.Glu25Lys). This variant is present in population databases (rs781887441, gnomAD 0.009%), including at least one homozygous and/or hemizygous individual. This variant has not been reported in the literature in individuals affected with PQBP1-related conditions. ClinVar contains an entry for this variant (Variation ID: 444803). An algorithm developed to predict the effect of missense changes on protein structure and function (PolyPhen-2) suggests that this variant is likely to be disruptive. In summary, the available evidence is currently insufficient to determine the role of this variant in disease. Therefore, it has been classified as a Variant of Uncertain Significance.

Ambry Genetics
Classification: Likely benign for Inborn genetic diseases. Last evaluated: 2025-05-28. Review status: criteria provided, single submitter. Criteria: Ambry Variant Classification Scheme 2023. Collection method: clinical testing. Allele origin: germline.

CeGaT Center for Human Genetics Tuebingen
Classification: Uncertain significance. Last evaluated: 2017-02-28. Review status: criteria provided, single submitter. Criteria: Praxis fuer Humangenetik Tuebingen - Variant Classification Criteria. Collection method: clinical testing. Allele origin: germline. Affected: yes. Observed: 1 variant allele.

NM_001032382.2(PQBP1):c.73G>A (p.Glu25Lys)

Gene: PQBP1 (polyglutamine binding protein 1; plus strand). Cytogenetic location: Xp11.23.
Variant type: single nucleotide variant.
Coding change: c.73G>A on transcript NM_001032382.2 (MANE Select); coding-DNA position 73, G replaced by A.
Protein change: p.Glu25Lys; replaces glutamic acid 25 with lysine.
Molecular consequence: missense variant.
Genome position (GRCh38, 1-based): chrX:48,901,195, G>A. VCF-style: chrX-48901195-G-A. GRCh37 (hg19) VCF-style: chrX-48758472-G-A.
Other names: c.73G>A, p.Glu25Lys (NM_001032381.2, NM_001032383.2, NM_001032384.1 and 5 more transcripts); short protein forms E25K.
Identifiers: ClinVar variation 444803 (VCV000444803.11), dbSNP rs781887441, ClinGen allele CA10405850.